The following is an entry in ClinVar:

NC_000012.11:g.(?_33021841)_(33031986_?)dup

Gene: PKP2 (plakophilin 2; minus strand). Cytogenetic location: 12p11.21.
Variant type: Duplication.
Identifiers: ClinVar variation 1525530 (VCV001525530.4).

ClinVar aggregate classification (germline): Likely pathogenic (1 of 4 stars; one submission).

Conditions:
Arrhythmogenic right ventricular dysplasia 9 (ARVD9). Also called: Arrhythmogenic Right Ventricular Dysplasia/Cardiomyopathy 9; ARRHYTHMOGENIC RIGHT VENTRICULAR DYSPLASIA, FAMILIAL, 9. Identifiers: MedGen C1836906, MONDO:0012180, OMIM 609040.

Submission:

Labcorp Genetics (formerly Invitae), Labcorp
Classification: Likely pathogenic for Arrhythmogenic right ventricular dysplasia 9. Last evaluated: 2021-07-28. Review status: criteria provided, single submitter. Criteria: Invitae Variant Classification Sherloc (09022015). Collection method: clinical testing. Allele origin: germline.
Comment: In summary, the currently available evidence indicates that the variant is pathogenic, but additional data are needed to prove that conclusively. Therefore, this variant has been classified as Likely Pathogenic. This variant has not been reported in the literature in individuals with PKP2-related conditions. This variant results in a copy number gain of the genomic region encompassing exon(s) 2-4 of the PKP2 gene. While the exact position of this variant cannot be determined from the data, sub-genic copy number gains are generally in tandem (PMID: 25640679). This variant is predicted to be out-of-frame, and may result in an absent or disrupted protein product. Loss-of-function variants in PKP2 are known to be pathogenic (PMID: 15489853, 23911551).

Literature cited by the submitters: PubMed 25640679; PubMed 15489853; PubMed 23911551.